The following is an entry in ClinVar:

ClinVar aggregate classification (germline): Benign/Likely benign. Review status: criteria provided, multiple submitters, no conflicts (2 of 4 stars). 3 submissions from 3 submitters: Benign (2); Likely benign (1). Last evaluated 2025-08-01.

Allele frequency attached by ClinVar (database versions not stated): 1000 Genomes Project 0.00240; 1000 Genomes Project 30x 0.00250; ESP Exome Variant Server 0.00423; gnomAD 0.00453 and 0.00461; TOPMed 0.00471; ExAC 0.00485; gnomAD exomes 0.00542 and 0.00648.
gnomAD v4.1: 10,206 of 1,613,366 alleles (0.63%); highest among the groups gnomAD compares: Non-Finnish European, 0.69%; 45 homozygotes.

Submissions (3):

CeGaT Center for Human Genetics Tuebingen
Classification: Likely benign. Last evaluated: 2025-08-01. Review status: criteria provided, single submitter. Criteria: CeGaT Center For Human Genetics Tuebingen Variant Classification Criteria Version 2. Collection method: clinical testing. Allele origin: germline. Affected: yes. Observed: 2 variant alleles.
Comment: ABCC3: BP4, BP7, BS2

Labcorp Genetics (formerly Invitae), Labcorp
Classification: Benign. Last evaluated: 2018-04-10. Review status: criteria provided, single submitter. Criteria: Invitae Variant Classification Sherloc (09022015). Collection method: clinical testing. Allele origin: germline.

Breakthrough Genomics
Classification: Benign. Review status: criteria provided, single submitter. Criteria: ACMG Guidelines, 2015. Collection method: not provided. Allele origin: germline. Inheritance: Unknown mechanism. Affected: yes.

NM_003786.4(ABCC3):c.4008G>A (p.Leu1336=)

Gene: ABCC3 (ATP binding cassette subfamily C member 3; plus strand). Cytogenetic location: 17q21.33.
Variant type: single nucleotide variant.
Coding change: c.4008G>A on transcript NM_003786.4 (MANE Select); coding-DNA position 4008, G replaced by A.
Protein change: p.Leu1336=; no amino-acid change (leucine 1336 retained).
Molecular consequence: synonymous variant.
Genome position (GRCh38, 1-based): chr17:50,684,002, G>A. VCF-style: chr17-50684002-G-A. GRCh37 (hg19) VCF-style: chr17-48761363-G-A.
Identifiers: ClinVar variation 788658 (VCV000788658.28), dbSNP rs11568589, ClinGen allele CA8655325.